The following is an entry in ClinVar:

NM_017950.4(CCDC40):c.820G>A (p.Glu274Lys)

Gene: CCDC40 (coiled-coil domain 40 molecular ruler complex subunit; plus strand). Cytogenetic location: 17q25.3.
Variant type: single nucleotide variant.
Coding change: c.820G>A on transcript NM_017950.4 (MANE Select); coding-DNA position 820, G replaced by A.
Protein change: p.Glu274Lys; replaces glutamic acid 274 with lysine.
Molecular consequence: missense variant.
Genome position (GRCh38, 1-based): chr17:80,048,726, G>A. VCF-style: chr17-80048726-G-A. GRCh37 (hg19) VCF-style: chr17-78022525-G-A.
Other names: c.820G>A, p.Glu274Lys (NM_001243342.2, NM_001330508.2); short protein forms E274K.
Identifiers: ClinVar variation 4743288 (VCV004743288.1).
Genomic context (GRCh38, chr17:80,048,726, plus strand): 5'-GAGGAGGGGGCCATGGCAGAGAGAGTGGAGTCCGAGGGGAGTGACGAGGAAGCAGAAGAC[G>A]AAGGGTCCCAGCTGGTGGTTTTGGACCCAGACCACGTAAGGAAGCCTTCCCAGGTTTTGC-3'
Protein context (NP_060420.2, residues 264-284): SEGSDEEAED[Glu274Lys]GSQLVVLDPD

ClinVar aggregate classification (germline): Uncertain significance (1 of 4 stars; one submission).

Conditions:
Primary ciliary dyskinesia. Also called: Ciliary dyskinesia. Identifiers: Orphanet 244, MedGen C0008780, MONDO:0016575, HP:0012265.

gnomAD v4.1: 17 of 1,613,216 alleles (0.0011%); highest among the groups gnomAD compares: African/African-American, 0.004%; no homozygotes.

Submission:

Labcorp Genetics (formerly Invitae), Labcorp
Classification: Uncertain significance for Primary ciliary dyskinesia. Last evaluated: 2025-05-28. Review status: criteria provided, single submitter. Criteria: Invitae Variant Classification Sherloc (09022015). Collection method: clinical testing. Allele origin: germline.
Comment: This sequence change replaces glutamic acid, which is acidic and polar, with lysine, which is basic and polar, at codon 274 of the CCDC40 protein (p.Glu274Lys). This variant is present in population databases (rs778868307, gnomAD 0.004%). This variant has not been reported in the literature in individuals affected with CCDC40-related conditions. Invitae Evidence Modeling of protein sequence and biophysical properties (such as structural, functional, and spatial information, amino acid conservation, physicochemical variation, residue mobility, and thermodynamic stability) indicates that this missense variant is not expected to disrupt CCDC40 protein function with a negative predictive value of 80%. In summary, the available evidence is currently insufficient to determine the role of this variant in disease. Therefore, it has been classified as a Variant of Uncertain Significance.